The following is an entry in ClinVar:

ClinVar aggregate classification (germline): Pathogenic (1 of 4 stars; one submission).

gnomAD v4.1: 1 of 1,612,480 alleles (0.000062%); highest among the groups gnomAD compares: South Asian, 0.0011%; no homozygotes.

Submission:

Labcorp Genetics (formerly Invitae), Labcorp
Classification: Pathogenic. Last evaluated: 2022-11-09. Review status: criteria provided, single submitter. Criteria: Invitae Variant Classification Sherloc (09022015). Collection method: clinical testing. Allele origin: germline.
Comment: For these reasons, this variant has been classified as Pathogenic. Algorithms developed to predict the effect of sequence changes on RNA splicing suggest that this variant may disrupt the consensus splice site. This variant has not been reported in the literature in individuals affected with CFI-related conditions. The frequency data for this variant in the population databases is considered unreliable, as metrics indicate poor data quality at this position in the gnomAD database. This sequence change creates a premature translational stop signal (p.Arg345*) in the CFI gene. It is expected to result in an absent or disrupted protein product. Loss-of-function variants in CFI are known to be pathogenic (PMID: 15917334, 16621965, 19065647, 20016463, 22710145).

Literature cited by the submitters: PubMed 15917334; PubMed 16621965; PubMed 19065647; PubMed 20016463; PubMed 22710145.

NM_000204.5(CFI):c.1033C>T (p.Arg345Ter)

Gene: CFI (complement factor I; minus strand). Cytogenetic location: 4q25.
Variant type: single nucleotide variant.
Coding change: c.1033C>T on transcript NM_000204.5 (MANE Select); coding-DNA position 1033, C replaced by T.
Protein change: p.Arg345Ter; replaces arginine 345 with a stop codon.
Molecular consequence: nonsense. On other transcripts: non-coding transcript variant (3).
Genome position (GRCh38, 1-based): chr4:109,749,510, G>A on the plus strand (C>T on the coding strand, the complement: CFI is on the minus strand). VCF-style: chr4-109749510-G-A. GRCh37 (hg19) VCF-style: chr4-110670666-G-A.
Other names: c.1057C>T, p.Arg353Ter (NM_001318057.2, NM_001375278.1); c.1012C>T, p.Arg338Ter (NM_001331035.2, NM_001375280.1, NM_001375282.1); c.1033C>T, p.Arg345Ter (NM_001375279.1, NM_001375281.1); c.976C>T, p.Arg326Ter (NM_001375283.1); c.424C>T, p.Arg142Ter (NM_001375284.1); short protein forms R345*, R353*, R142*, R338*, R326*.
Identifiers: ClinVar variation 2902474 (VCV002902474.3), dbSNP rs768411190, ClinGen allele CA357858973.